The following is an entry in ClinVar:

NM_002907.4(RECQL):c.1857T>A (p.Asn619Lys)

Genes: PYROXD1 (pyridine nucleotide-disulphide oxidoreductase domain 1; plus strand), RECQL (RecQ like helicase; minus strand). Cytogenetic location: 12p12.1.
Variant type: single nucleotide variant.
Coding change: c.1857T>A on transcript NM_002907.4 (MANE Select); coding-DNA position 1857, T replaced by A.
Protein change: p.Asn619Lys; replaces asparagine 619 with lysine.
Molecular consequence: missense variant. On other transcripts: 3 prime UTR variant (3).
Genome position (GRCh38, 1-based): chr12:21,470,287, A>T on the plus strand (T>A on the coding strand, the complement: RECQL is on the minus strand). VCF-style: chr12-21470287-A-T. GRCh37 (hg19) VCF-style: chr12-21623221-A-T.
Other names: c.1857T>A, p.Asn619Lys (NM_032941.3); c.*1533A>T (NM_001350912.2, NM_001350913.2, NM_024854.5); short protein forms N619K.
Identifiers: ClinVar variation 3222958 (VCV003222958.1), dbSNP rs775571169, ClinGen allele CA384113815.

ClinVar aggregate classification (germline): Uncertain significance (1 of 4 stars; one submission).

Submission:

Ambry Genetics
Classification: Uncertain significance. Last evaluated: 2024-01-14. Review status: criteria provided, single submitter. Criteria: Ambry Variant Classification Scheme 2023. Collection method: clinical testing. Allele origin: germline.
Comment: The p.N619K variant (also known as c.1857T>A), located in coding exon 14 of the RECQL gene, results from a T to A substitution at nucleotide position 1857. The asparagine at codon 619 is replaced by lysine, an amino acid with similar properties. This amino acid position is conserved. In addition, this alteration is predicted to be tolerated by in silico analysis. Since supporting evidence is limited at this time, the clinical significance of this alteration remains unclear.